The following is an entry in ClinVar:

ClinVar aggregate classification (germline): Pathogenic/Likely pathogenic. Review status: criteria provided, multiple submitters, no conflicts (2 of 4 stars). 4 submissions from 4 submitters: Pathogenic (3); Likely pathogenic (1). Last evaluated 2024-03-20.

Conditions:
Hereditary cancer-predisposing syndrome. Also called: Neoplastic Syndromes, Hereditary; Tumor predisposition; Hereditary Cancer Syndrome; Hereditary neoplastic syndrome. Identifiers: Orphanet 140162, MedGen C0027672, MeSH D009386, MONDO:0015356.
Familial cancer of breast. Also called: BREAST CANCER, FAMILIAL; Hereditary breast cancer; hereditary breast carcinoma. Identifiers: Orphanet 227535, MedGen C0346153, MONDO:0016419, OMIM 114480. Disease mechanism: loss of function.

Submissions (4):

Labcorp Genetics (formerly Invitae), Labcorp
Classification: Pathogenic for Familial cancer of breast. Last evaluated: 2024-03-20. Review status: criteria provided, single submitter. Criteria: Invitae Variant Classification Sherloc (09022015). Collection method: clinical testing. Allele origin: germline.
Comment: This sequence change creates a premature translational stop signal (p.His647Leufs*3) in the PALB2 gene. It is expected to result in an absent or disrupted protein product. Loss-of-function variants in PALB2 are known to be pathogenic (PMID: 17200668, 17200671, 17200672, 24136930, 25099575). This variant is not present in population databases (gnomAD no frequency). This variant has not been reported in the literature in individuals affected with PALB2-related conditions. ClinVar contains an entry for this variant (Variation ID: 926893). For these reasons, this variant has been classified as Pathogenic.

Ambry Genetics
Classification: Pathogenic for Hereditary cancer-predisposing syndrome. Last evaluated: 2023-10-06. Review status: criteria provided, single submitter. Criteria: Ambry Variant Classification Scheme 2023. Collection method: clinical testing. Allele origin: germline.
Comment: The c.1939_1940insT pathogenic mutation, located in coding exon 5 of the PALB2 gene, results from an insertion of one nucleotide at position 1939, causing a translational frameshift with a predicted alternate stop codon (p.H647Lfs*3). This variant is considered to be rare based on population cohorts in the Genome Aggregation Database (gnomAD). This alteration is expected to result in loss of function by premature protein truncation or nonsense-mediated mRNA decay. As such, this alteration is interpreted as a disease-causing mutation.

Quest Diagnostics Nichols Institute San Juan Capistrano
Classification: Likely pathogenic. Last evaluated: 2021-05-19. Review status: criteria provided, single submitter. Criteria: Quest Diagnostics criteria. Collection method: clinical testing. Allele origin: unknown.
Comment: This frameshift variant is predicted to cause the premature termination of PALB2 protein synthesis. To the best of our knowledge, the variant has not been reported in the published literature. Based on the available information, this variant is classified as likely pathogenic.

Color Diagnostics, LLC DBA Color Health
Classification: Pathogenic for Hereditary cancer-predisposing syndrome. Last evaluated: 2020-01-15. Review status: criteria provided, single submitter. Criteria: ACMG Guidelines, 2015. Collection method: clinical testing. Allele origin: germline.
Comment: This variant inserts 1 nucleotide in exon 5 of the PALB2 gene, creating a frameshift and premature translation stop signal. This variant is expected to result in an absent or non-functional protein product. This variant has not been identified in the general population by the Genome Aggregation Database (gnomAD). Loss of PALB2 function is a known mechanism of disease. Based on the available evidence, this variant is classified as Pathogenic.

Literature cited by the submitters: PubMed 17200668 (cited by Labcorp Genetics (formerly Invitae), Labcorp); PubMed 17200671 (cited by Labcorp Genetics (formerly Invitae), Labcorp); PubMed 17200672 (cited by Labcorp Genetics (formerly Invitae), Labcorp); PubMed 24136930 (cited by Labcorp Genetics (formerly Invitae), Labcorp); PubMed 25099575 (cited by Labcorp Genetics (formerly Invitae), Labcorp).

NM_024675.4(PALB2):c.1939_1940insT (p.His647fs)

Gene: PALB2 (partner and localizer of BRCA2; minus strand). Cytogenetic location: 16p12.2.
Variant type: Insertion.
Coding change: c.1939_1940insT on transcript NM_024675.4 (MANE Select); coding-DNA positions 1939 to 1940, T inserted.
Protein change: p.His647fs; shifts the reading frame from histidine 647.
Molecular consequence: frameshift variant.
Genome position: GRCh38 VCF-style: chr16-23630214-T-TA. GRCh37 (hg19) VCF-style: chr16-23641535-T-TA.
Other names: short protein forms H647fs.
Identifiers: ClinVar variation 926893 (VCV000926893.7), dbSNP rs1966863209, ClinGen allele CA913188768.
Genomic context (GRCh38, chr16:23,630,214, plus strand): 5'-TCTGTATCCATGCGTTTAGGACTCAGTTCCTCTGGAAAAATACAGCTTCCCTCTTTAAGA[T>TA]GTCTCTCTCCAAACATTTTTGACTCAAAGGGCTCCACTGGTTTTTCTGAGCAGGACTTCA-3'